The following is an entry in ClinVar:

ClinVar aggregate classification (germline): Uncertain significance (1 of 4 stars; one submission).

Conditions:
Deficiency of butyryl-CoA dehydrogenase (ACADSD). Also called: SCADH DEFICIENCY; ACADS DEFICIENCY; Short-Chain Acyl-CoA Dehydrogenase Deficiency; ACYL-CoA DEHYDROGENASE, SHORT-CHAIN, DEFICIENCY OF; SCAD DEFICIENCY, MILD; SCAD Deficiency. Identifiers: Orphanet 26792, MedGen C0342783, MONDO:0008722, OMIM 201470. Disease mechanism: May be benign.

Allele frequency attached by ClinVar (database versions not stated): ExAC 0.00001; gnomAD 0.00001.
gnomAD v4.1: 2 of 1,608,824 alleles (0.00012%); highest among the groups gnomAD compares: Admixed American, 0.0033%; no homozygotes.

Submission:

Labcorp Genetics (formerly Invitae), Labcorp
Classification: Uncertain significance for Deficiency of butyryl-CoA dehydrogenase. Last evaluated: 2022-06-11. Review status: criteria provided, single submitter. Criteria: Invitae Variant Classification Sherloc (09022015). Collection method: clinical testing. Allele origin: germline.
Comment: This sequence change replaces glutamine, which is neutral and polar, with glutamic acid, which is acidic and polar, at codon 266 of the ACADS protein (p.Gln266Glu). This variant is present in population databases (rs758286855, gnomAD 0.003%). This variant has not been reported in the literature in individuals affected with ACADS-related conditions. Algorithms developed to predict the effect of missense changes on protein structure and function are either unavailable or do not agree on the potential impact of this missense change (SIFT: "Deleterious"; PolyPhen-2: "Benign"; Align-GVGD: "Class C25"). Algorithms developed to predict the effect of sequence changes on RNA splicing suggest that this variant may disrupt the consensus splice site. In summary, the available evidence is currently insufficient to determine the role of this variant in disease. Therefore, it has been classified as a Variant of Uncertain Significance.

NM_000017.4(ACADS):c.796C>G (p.Gln266Glu)

Gene: ACADS (acyl-CoA dehydrogenase short chain; plus strand). Cytogenetic location: 12q24.31.
Variant type: single nucleotide variant.
Coding change: c.796C>G on transcript NM_000017.4 (MANE Select); coding-DNA position 796, C replaced by G.
Protein change: p.Gln266Glu; replaces glutamine 266 with glutamic acid.
Molecular consequence: missense variant.
Genome position (GRCh38, 1-based): chr12:120,738,533, C>G. VCF-style: chr12-120738533-C-G. GRCh37 (hg19) VCF-style: chr12-121176336-C-G.
Other names: c.784C>G, p.Gln262Glu (NM_001302554.2); short protein forms Q262E, Q266E.
Identifiers: ClinVar variation 2165100 (VCV002165100.1), dbSNP rs758286855, ClinGen allele CA6831078.